The following is an entry in ClinVar:

ClinVar aggregate classification (germline): Pathogenic (1 of 4 stars; one submission).

Conditions:
Hereditary cancer-predisposing syndrome. Also called: Neoplastic Syndromes, Hereditary; Tumor predisposition; Hereditary Cancer Syndrome; Hereditary neoplastic syndrome. Identifiers: Orphanet 140162, MedGen C0027672, MeSH D009386, MONDO:0015356.

Submission:

Ambry Genetics
Classification: Pathogenic for Hereditary cancer-predisposing syndrome. Last evaluated: 2025-10-29. Review status: criteria provided, single submitter. Criteria: Ambry Variant Classification Scheme 2023. Collection method: clinical testing. Allele origin: germline.
Comment: The c.5301_5302insC pathogenic mutation, located in coding exon 34 of the ATM gene, results from an insertion of one nucleotide at position 5301, causing a translational frameshift with a predicted alternate stop codon (p.R1768Qfs*14). This variant is considered to be rare based on population cohorts in the Genome Aggregation Database (gnomAD). This alteration is expected to result in loss of function by premature protein truncation or nonsense-mediated mRNA decay. As such, this alteration is interpreted as a disease-causing mutation.

NM_000051.4(ATM):c.5301_5302insC (p.Arg1768fs)

Gene: ATM (ATM serine/threonine kinase; plus strand). Cytogenetic location: 11q22.3.
Variant type: Insertion.
Coding change: c.5301_5302insC on transcript NM_000051.4 (MANE Select); coding-DNA positions 5301 to 5302, C inserted.
Protein change: p.Arg1768fs; shifts the reading frame from arginine 1768.
Molecular consequence: frameshift variant.
Genome position: GRCh38 VCF-style: chr11-108301771-T-TC. GRCh37 (hg19) VCF-style: chr11-108172498-T-TC.
Other names: c.5301_5302insC, p.Arg1768fs (NM_001351834.2); short protein forms R1768fs.
Identifiers: ClinVar variation 4618087 (VCV004618087.1).